The following is an entry in ClinVar:

NM_058216.3(RAD51C):c.894dup (p.Pro299fs)

Gene: RAD51C (RAD51 paralog C; plus strand). Cytogenetic location: 17q22.
Variant type: Duplication.
Coding change: c.894dup on transcript NM_058216.3 (MANE Select); coding-DNA position 894, one base duplicated (T; older notation c.894dupT).
Protein change: p.Pro299fs; shifts the reading frame from proline 299.
Molecular consequence: frameshift variant. On other transcripts: non-coding transcript variant (1).
Genome position (GRCh38, 1-based): chr17:58,720,802, T duplicated; the last of 2 consecutive T bases (chr17:58,720,801-58,720,802); duplicating either gives the same sequence. VCF-style (leftmost placement, unchanged base first): chr17-58720800-G-GT. GRCh37 (hg19) VCF-style: chr17-56798161-G-GT.
Other names: short protein forms P299fs.
Identifiers: ClinVar variation 949689 (VCV000949689.7), dbSNP rs2048893092, ClinGen allele CA1139665736.

ClinVar aggregate classification (germline): Likely pathogenic (1 of 4 stars; one submission).

Conditions:
Fanconi anemia complementation group O. Also called: RAD51C-Related Fanconi Anemia. Identifiers: Orphanet 84, MedGen C3150653, MONDO:0013248, OMIM 613390.

Submission:

Labcorp Genetics (formerly Invitae), Labcorp
Classification: Likely pathogenic for Fanconi anemia complementation group O. Last evaluated: 2022-10-13. Review status: criteria provided, single submitter. Criteria: Invitae Variant Classification Sherloc (09022015). Collection method: clinical testing. Allele origin: germline.
Comment: In summary, the currently available evidence indicates that the variant is pathogenic, but additional data are needed to prove that conclusively. Therefore, this variant has been classified as Likely Pathogenic. This variant disrupts the nuclear localization signal (NLS) of the RAD51C protein, which is important for proper localization and function of the RAD51C protein (PMID:12966089). While functional studies have not been performed to directly test the effect of this variant on RAD51C protein function, this suggests that disruption of this region of the protein is causative of disease. ClinVar contains an entry for this variant (Variation ID: 949689). This variant has not been reported in the literature in individuals affected with RAD51C-related conditions. This variant is not present in population databases (gnomAD no frequency). This sequence change creates a premature translational stop signal (p.Pro299Serfs*49) in the RAD51C gene. While this is not anticipated to result in nonsense mediated decay, it is expected to disrupt the last 78 amino acid(s) of the RAD51C protein.

Literature cited by the submitters: PubMed 12966089.